The following is an entry in ClinVar:

ClinVar aggregate classification (germline): Likely benign (1 of 4 stars; one submission).

Conditions:
Lynch syndrome 5 (LYNCH5). Also called: Colorectal cancer, hereditary nonpolyposis, type 5; Hereditary non-polyposis colorectal cancer, type 5. Identifiers: Orphanet 144, MedGen C1833477, MONDO:0013710, OMIM 614350. Disease mechanism: loss of function.

Submission:

Myriad Genetics, Inc.
Classification: Likely benign for Lynch syndrome 5. Last evaluated: 2025-01-08. Review status: criteria provided, single submitter. Criteria: Myriad Autosomal Dominant, Autosomal Recessive and X-Linked Classification Criteria (2023). Collection method: clinical testing. Allele origin: unknown.
Comment: This variant is considered likely benign. This variant is intronic and is not expected to impact mRNA splicing.

NM_000179.3(MSH6):c.3801+8C>T

Gene: MSH6 (mutS homolog 6; plus strand). Cytogenetic location: 2p16.3.
Variant type: single nucleotide variant.
Coding change: c.3801+8C>T on transcript NM_000179.3 (MANE Select); 8 bases into the intron after coding-DNA position 3801, C replaced by T.
Molecular consequence: intron variant.
Genome position (GRCh38, 1-based): chr2:47,806,366, C>T. VCF-style: chr2-47806366-C-T. GRCh37 (hg19) VCF-style: chr2-48033505-C-T.
Other names: c.3801+8C>T (NM_001406809.1, NM_001406796.1, NM_001406808.1 and 1 more transcripts); c.2895+8C>T (NM_001406811.1, NM_001406814.1, NM_001281493.2 and 6 more transcripts); c.3504+8C>T (NM_001406805.1, NM_001406797.1, NM_001406801.1 and 10 more transcripts); c.3897+8C>T (NM_001406795.1, NM_001406802.1); c.3807+8C>T (NM_001406813.1); c.3276+8C>T (NM_001406807.1, NM_001406799.1, NM_001406806.1); c.3627+8C>T (NM_001406798.1); c.2937+8C>T (NM_001406803.1); and 7 more.
Identifiers: ClinVar variation 3904508 (VCV003904508.1).
Genomic context (GRCh38, chr2:47,806,366, plus strand): 5'-ATTCATTAGTAGAAGATTATTCTCAAAATGTTGCTGTGCGCCTAGGACATATGGTATGTG[C>T]AAATTGTTTTTTTCCACAAATTCGGTTTTTTGAGAGGGCACTTCTCTTGCTAGCACATGT-3'